The following is an entry in ClinVar:

NM_032119.4(ADGRV1):c.501G>C (p.Met167Ile)

Gene: ADGRV1 (adhesion G protein-coupled receptor V1; plus strand). Cytogenetic location: 5q14.3.
Variant type: single nucleotide variant.
Coding change: c.501G>C on transcript NM_032119.4 (MANE Select); coding-DNA position 501, G replaced by C.
Protein change: p.Met167Ile; replaces methionine 167 with isoleucine.
Molecular consequence: missense variant. On other transcripts: non-coding transcript variant (1).
Genome position (GRCh38, 1-based): chr5:90,622,644, G>C. VCF-style: chr5-90622644-G-C. GRCh37 (hg19) VCF-style: chr5-89918461-G-C.
Other names: short protein forms M167I.
Identifiers: ClinVar variation 2122042 (VCV002122042.4), dbSNP rs1316632108, ClinGen allele CA360363271.

ClinVar aggregate classification (germline): Uncertain significance (1 of 4 stars; one submission).

Submission:

Labcorp Genetics (formerly Invitae), Labcorp
Classification: Uncertain significance. Last evaluated: 2022-04-06. Review status: criteria provided, single submitter. Criteria: Invitae Variant Classification Sherloc (09022015). Collection method: clinical testing. Allele origin: germline.
Comment: In summary, the available evidence is currently insufficient to determine the role of this variant in disease. Therefore, it has been classified as a Variant of Uncertain Significance. This sequence change replaces methionine, which is neutral and non-polar, with isoleucine, which is neutral and non-polar, at codon 167 of the ADGRV1 protein (p.Met167Ile). This variant is not present in population databases (gnomAD no frequency). This variant has not been reported in the literature in individuals affected with ADGRV1-related conditions. Algorithms developed to predict the effect of missense changes on protein structure and function output the following: SIFT: "Tolerated"; PolyPhen-2: "Benign"; Align-GVGD: "Class C0". The isoleucine amino acid residue is found in multiple mammalian species, which suggests that this missense change does not adversely affect protein function.